The following is an entry in ClinVar:

ClinVar aggregate classification (germline): Uncertain significance (1 of 4 stars; one submission).

Conditions:
Malignant hyperthermia, susceptibility to, 1 (MHS1). Also called: RYR1-Related Malignant Hyperthermia Susceptibility; Anesthesia related hyperthermia; Malignant hyperpyrexia; Fulminating hyperpyrexia; Pharmacogenic myopathy; Malignant hyperthermia suceptibility 1. Identifiers: Orphanet 423, MedGen C2930980, MONDO:0007783, OMIM 145600.

Submission:

All of Us Research Program, National Institutes of Health
Classification: Uncertain significance for Malignant hyperthermia, susceptibility to, 1. Last evaluated: 2023-03-28. Review status: criteria provided, single submitter. Criteria: ACMG Guidelines, 2015. Collection method: clinical testing. Allele origin: germline. Inheritance: Autosomal dominant inheritance. Observed: 1 variant allele, 1 heterozygote.
Comment: This study involves interpretation of variants in research participants for the purpose of population health screening. Participant phenotype was not available at the time of variant classification. Additional details can be found in publication PMID: 35346344, PMCID: PMC8962531

NM_000540.3(RYR1):c.2374C>T (p.Leu792Phe)

Gene: RYR1 (ryanodine receptor 1; plus strand). Cytogenetic location: 19q13.2.
Variant type: single nucleotide variant.
Coding change: c.2374C>T on transcript NM_000540.3 (MANE Select); coding-DNA position 2374, C replaced by T.
Protein change: p.Leu792Phe; replaces leucine 792 with phenylalanine.
Molecular consequence: missense variant.
Genome position (GRCh38, 1-based): chr19:38,460,388, C>T. VCF-style: chr19-38460388-C-T. GRCh37 (hg19) VCF-style: chr19-38951028-C-T.
Other names: c.2374C>T, p.Leu792Phe (NM_001042723.2); short protein forms L792F.
Identifiers: ClinVar variation 3069951 (VCV003069951.1), dbSNP rs2514054381, ClinGen allele CA405628535.